The following is an entry in ClinVar:

NM_001127453.2(GSDME):c.827C>A (p.Ser276Tyr)

Gene: GSDME (gasdermin E; minus strand). Cytogenetic location: 7p15.3.
Variant type: single nucleotide variant.
Coding change: c.827C>A on transcript NM_001127453.2 (MANE Select); coding-DNA position 827, C replaced by A.
Protein change: p.Ser276Tyr; replaces serine 276 with tyrosine.
Molecular consequence: missense variant.
Genome position (GRCh38, 1-based): chr7:24,710,259, G>T on the plus strand (C>A on the coding strand, the complement: GSDME is on the minus strand). VCF-style: chr7-24710259-G-T. GRCh37 (hg19) VCF-style: chr7-24749878-G-T.
Other names: c.335C>A, p.Ser112Tyr (NM_001127454.2, NM_001438059.1); c.827C>A, p.Ser276Tyr (NM_004403.3); short protein forms S112Y, S276Y.
Identifiers: ClinVar variation 4621197 (VCV004621197.2).

ClinVar aggregate classification (germline): Uncertain significance. Review status: criteria provided, multiple submitters, no conflicts (2 of 4 stars). 2 submissions from 2 submitters: Uncertain significance (2). Last evaluated 2026-06-11.

Conditions:
GSDME-related disorder. Also called: GSDME-related condition.
Inborn genetic diseases. Identifiers: MedGen C0950123, MeSH D030342.

gnomAD v4.1: 14 of 1,614,058 alleles (0.00087%); highest among the groups gnomAD compares: Non-Finnish European, 0.0011%; no homozygotes.

Submissions (2):

PreventionGenetics, part of Exact Sciences
Classification: Uncertain significance for GSDME-related condition. Last evaluated: 2026-06-11. Review status: criteria provided, single submitter. Criteria: ACMG Guidelines, 2015. Collection method: clinical testing. Allele origin: germline.
Comment: The GSDME c.827C>A variant is predicted to result in the amino acid substitution p.Ser276Tyr. To our knowledge, this variant has not been reported in the literature or in a large population database (gnomAD), indicating this variant is rare. At this time, the clinical significance of this variant is uncertain due to the absence of conclusive functional and genetic evidence.

Ambry Genetics
Classification: Uncertain significance for Inborn genetic diseases. Last evaluated: 2025-12-10. Review status: criteria provided, single submitter. Criteria: Ambry Variant Classification Scheme 2023. Collection method: clinical testing. Allele origin: germline.